The following is an entry in ClinVar:

NM_031885.5(BBS2):c.1225+2T>C

Gene: BBS2 (Bardet-Biedl syndrome 2; minus strand). Cytogenetic location: 16q13.
Variant type: single nucleotide variant.
Coding change: c.1225+2T>C on transcript NM_031885.5 (MANE Select); the canonical splice donor site of the intron after coding-DNA position 1225, T replaced by C.
Molecular consequence: splice donor variant.
Genome position (GRCh38, 1-based): chr16:56,501,351, A>G on the plus strand (T>C on the coding strand, the complement: BBS2 is on the minus strand). VCF-style: chr16-56501351-A-G. GRCh37 (hg19) VCF-style: chr16-56535263-A-G.
Other names: c.1225+2T>C (NM_001377456.1).
Identifiers: ClinVar variation 1997192 (VCV001997192.5), dbSNP rs1279981768, ClinGen allele CA395979816.

ClinVar aggregate classification (germline): Likely pathogenic. Review status: criteria provided, multiple submitters, no conflicts (2 of 4 stars). 2 submissions from 2 submitters: Likely pathogenic (2). Last evaluated 2023-10-02.

Conditions:
Bardet-Biedl syndrome (BBS). Identifiers: Orphanet 110, MedGen C0752166, MONDO:0015229.
Bardet-Biedl syndrome 2 (BBS2). Identifiers: Orphanet 110, MedGen C2936863, MONDO:0014432, OMIM 615981.

Allele frequency attached by ClinVar (database versions not stated): gnomAD 0.00001; TOPMed below 0.00001.
gnomAD v4.1: 1 of 1,613,650 alleles (0.000062%); highest among the groups gnomAD compares: East Asian, 0.0022%; no homozygotes.

Submissions (2):

Baylor Genetics
Classification: Likely pathogenic for Bardet-Biedl syndrome 2. Last evaluated: 2023-10-02. Review status: criteria provided, single submitter. Criteria: ACMG Guidelines, 2015. Collection method: clinical testing. Allele origin: unknown.

Labcorp Genetics (formerly Invitae), Labcorp
Classification: Likely pathogenic for Bardet-Biedl syndrome. Last evaluated: 2022-05-21. Review status: criteria provided, single submitter. Criteria: Invitae Variant Classification Sherloc (09022015). Collection method: clinical testing. Allele origin: germline.
Comment: In summary, the currently available evidence indicates that the variant is pathogenic, but additional data are needed to prove that conclusively. Therefore, this variant has been classified as Likely Pathogenic. Algorithms developed to predict the effect of sequence changes on RNA splicing suggest that this variant may disrupt the consensus splice site. This variant has not been reported in the literature in individuals affected with BBS2-related conditions. This variant is present in population databases (no rsID available, gnomAD 0.06%). This sequence change affects a donor splice site in intron 10 of the BBS2 gene. It is expected to disrupt RNA splicing. Variants that disrupt the donor or acceptor splice site typically lead to a loss of protein function (PMID: 16199547), and loss-of-function variants in BBS2 are known to be pathogenic (PMID: 11285252, 20177705, 24608809, 26518167).

Literature cited by the submitters: PubMed 16199547 (cited by Labcorp Genetics (formerly Invitae), Labcorp); PubMed 11285252 (cited by Labcorp Genetics (formerly Invitae), Labcorp); PubMed 20177705 (cited by Labcorp Genetics (formerly Invitae), Labcorp); PubMed 24608809 (cited by Labcorp Genetics (formerly Invitae), Labcorp); PubMed 26518167 (cited by Labcorp Genetics (formerly Invitae), Labcorp).